The following is an entry in ClinVar:

ClinVar aggregate classification (germline): Uncertain significance. Review status: criteria provided, multiple submitters, no conflicts (2 of 4 stars). 2 submissions from 2 submitters: Uncertain significance (2). Last evaluated 2025-11-02.

Conditions:
Inborn genetic diseases. Identifiers: MedGen C0950123, MeSH D030342.

Allele frequency attached by ClinVar (database versions not stated): TOPMed 0.00002; ExAC 0.00002.

Submissions (2):

Ambry Genetics
Classification: Uncertain significance for Inborn genetic diseases. Last evaluated: 2025-11-02. Review status: criteria provided, single submitter. Criteria: Ambry Variant Classification Scheme 2023. Collection method: clinical testing. Allele origin: germline.

Labcorp Genetics (formerly Invitae), Labcorp
Classification: Uncertain significance. Last evaluated: 2021-12-21. Review status: criteria provided, single submitter. Criteria: Invitae Variant Classification Sherloc (09022015). Collection method: clinical testing. Allele origin: germline.
Comment: This sequence change replaces arginine, which is basic and polar, with glutamine, which is neutral and polar, at codon 919 of the LRPPRC protein (p.Arg919Gln). This variant is present in population databases (rs762844474, gnomAD 0.002%). This variant has not been reported in the literature in individuals affected with LRPPRC-related conditions. Algorithms developed to predict the effect of missense changes on protein structure and function are either unavailable or do not agree on the potential impact of this missense change (SIFT: "Deleterious"; PolyPhen-2: "Probably Damaging"; Align-GVGD: "Class C0"). In summary, the available evidence is currently insufficient to determine the role of this variant in disease. Therefore, it has been classified as a Variant of Uncertain Significance.

NM_133259.4(LRPPRC):c.2756G>A (p.Arg919Gln)

Gene: LRPPRC (leucine rich pentatricopeptide repeat containing; minus strand). Cytogenetic location: 2p21.
Variant type: single nucleotide variant.
Coding change: c.2756G>A on transcript NM_133259.4 (MANE Select); coding-DNA position 2756, G replaced by A.
Protein change: p.Arg919Gln; replaces arginine 919 with glutamine.
Molecular consequence: missense variant.
Genome position (GRCh38, 1-based): chr2:43,925,942, C>T on the plus strand (G>A on the coding strand, the complement: LRPPRC is on the minus strand). VCF-style: chr2-43925942-C-T. GRCh37 (hg19) VCF-style: chr2-44153081-C-T.
Other names: c.2756G>A (NM_133259.3); short protein forms R919Q.
Identifiers: ClinVar variation 2184171 (VCV002184171.2), dbSNP rs762844474, ClinGen allele CA1638331.